The following is an entry in ClinVar:

ClinVar aggregate classification (germline): Uncertain significance (1 of 4 stars; one submission).

Submission:

Labcorp Genetics (formerly Invitae), Labcorp
Classification: Uncertain significance. Last evaluated: 2021-01-08. Review status: criteria provided, single submitter. Criteria: Invitae Variant Classification Sherloc (09022015). Collection method: clinical testing. Allele origin: germline.
Comment: This sequence change replaces tyrosine with aspartic acid at codon 705 of the GRIA3 protein (p.Tyr705Asp). The tyrosine residue is highly conserved and there is a large physicochemical difference between tyrosine and aspartic acid. This variant is not present in population databases (ExAC no frequency). This variant has not been reported in the literature in individuals with GRIA3-related conditions. Advanced modeling of protein sequence and biophysical properties (such as structural, functional, and spatial information, amino acid conservation, physicochemical variation, residue mobility, and thermodynamic stability) performed at Invitae indicates that this missense variant is expected to disrupt GRIA3 protein function. In summary, the available evidence is currently insufficient to determine the role of this variant in disease. Therefore, it has been classified as a Variant of Uncertain Significance.

NM_007325.5(GRIA3):c.2113T>G (p.Tyr705Asp)

Gene: GRIA3 (glutamate ionotropic receptor AMPA type subunit 3; plus strand). Cytogenetic location: Xq25.
Variant type: single nucleotide variant.
Coding change: c.2113T>G on transcript NM_007325.5 (MANE Select); coding-DNA position 2113, T replaced by G.
Protein change: p.Tyr705Asp; replaces tyrosine 705 with aspartic acid.
Molecular consequence: missense variant.
Genome position (GRCh38, 1-based): chrX:123,464,901, T>G. VCF-style: chrX-123464901-T-G. GRCh37 (hg19) VCF-style: chrX-122598752-T-G.
Other names: c.2113T>G, p.Tyr705Asp (NM_000828.5); short protein forms Y705D.
Identifiers: ClinVar variation 1402578 (VCV001402578.8), dbSNP rs2147433791, ClinGen allele CA414264671.